The following is an entry in ClinVar:

ClinVar aggregate classification (germline): Benign. Review status: criteria provided, multiple submitters, no conflicts (2 of 4 stars). 2 submissions from 2 submitters: Benign (2). Last evaluated 2018-01-12.

Conditions:
Methylmalonic aciduria, cblA type (MACA). Also called: Methylmalonic aciduria, vitamin b12-responsive, due to defect in synthesis of adenosylcobalamin, cbla complementation type; MMA cbl A type; Methylmalonic acidemia cblA type; Methylmalonic aciduria, vitamin B12-responsive; Vitamin B12-responsive methylmalonic acidemia type cblA. Identifiers: Orphanet 28, Orphanet 79310, MedGen C1855109, MONDO:0009613, OMIM 251100.

Allele frequency attached by ClinVar (database versions not stated): gnomAD 0.03954 and 0.04466; TOPMed 0.03960; 1000 Genomes Project 30x 0.06777; 1000 Genomes Project 0.07009.

Submissions (2):

Illumina Laboratory Services, Illumina
Classification: Benign for Methylmalonic aciduria, cblA type. Last evaluated: 2018-01-12. Review status: criteria provided, single submitter. Criteria: ICSL Variant Classification Criteria 13 December 2019. Collection method: clinical testing. Allele origin: germline.
Comment: This variant was observed in the ICSL laboratory as part of a predisposition screen in an ostensibly healthy population. It had not been previously curated by ICSL or reported in the Human Gene Mutation Database (HGMD: prior to June 1st, 2018), and was therefore a candidate for classification through an automated scoring system. Utilizing variant allele frequency, disease prevalence and penetrance estimates, and inheritance mode, an automated score was calculated to assess if this variant is too frequent to cause the disease. Based on the score and internal cut-off values, a variant classified as benign is not then subjected to further curation. The score for this variant resulted in a classification of benign for this disease.

Breakthrough Genomics
Classification: Benign. Review status: criteria provided, single submitter. Criteria: ACMG Guidelines, 2015. Collection method: not provided. Allele origin: germline. Inheritance: Autosomal recessive inheritance. Affected: yes.

NM_172250.3(MMAA):c.*2142T>C

Gene: MMAA (metabolism of cobalamin associated A; plus strand). Cytogenetic location: 4q31.21.
Variant type: single nucleotide variant.
Coding change: c.*2142T>C on transcript NM_172250.3 (MANE Select); 2142 bases downstream of the stop codon, T replaced by C.
Molecular consequence: 3 prime UTR variant.
Genome position (GRCh38, 1-based): chr4:145,657,576, T>C. VCF-style: chr4-145657576-T-C. GRCh37 (hg19) VCF-style: chr4-146578728-T-C.
Identifiers: ClinVar variation 347639 (VCV000347639.6), dbSNP rs72723824, ClinGen allele CA10620111.